The following is an entry in ClinVar:

ClinVar aggregate classification (germline): Uncertain significance (1 of 4 stars; one submission).

Conditions:
Combined immunodeficiency due to DOCK8 deficiency (HIES2). Also called: HIES autosomal recessive; Hyper-IgE recurrent infection syndrome, autosomal recessive; HYPER-IgE RECURRENT INFECTION SYNDROME 2, AUTOSOMAL RECESSIVE; HYPER-IgE SYNDROME 2, AUTOSOMAL RECESSIVE, WITH RECURRENT INFECTIONS; DOCK8 Deficiency. Identifiers: Orphanet 217390, MedGen C4722305, MONDO:0009478, OMIM 243700.

Allele frequency attached by ClinVar (database versions not stated): gnomAD exomes 0.00001; TOPMed 0.00001.
gnomAD v4.1: 14 of 1,614,168 alleles (0.00087%); highest among the groups gnomAD compares: South Asian, 0.0044%; no homozygotes.

Submission:

Labcorp Genetics (formerly Invitae), Labcorp
Classification: Uncertain significance for Combined immunodeficiency due to DOCK8 deficiency. Last evaluated: 2022-07-11. Review status: criteria provided, single submitter. Criteria: Invitae Variant Classification Sherloc (09022015). Collection method: clinical testing. Allele origin: germline.
Comment: This sequence change replaces threonine, which is neutral and polar, with methionine, which is neutral and non-polar, at codon 1322 of the DOCK8 protein (p.Thr1322Met). This variant is present in population databases (rs774043738, gnomAD 0.003%). This variant has not been reported in the literature in individuals affected with DOCK8-related conditions. ClinVar contains an entry for this variant (Variation ID: 1414489). Algorithms developed to predict the effect of missense changes on protein structure and function output the following: SIFT: "Tolerated"; PolyPhen-2: "Benign"; Align-GVGD: "Class C0". The methionine amino acid residue is found in multiple mammalian species, which suggests that this missense change does not adversely affect protein function. In summary, the available evidence is currently insufficient to determine the role of this variant in disease. Therefore, it has been classified as a Variant of Uncertain Significance.

NM_203447.4(DOCK8):c.3965C>T (p.Thr1322Met)

Gene: DOCK8 (dedicator of cytokinesis 8; plus strand). Cytogenetic location: 9p24.3.
Variant type: single nucleotide variant.
Coding change: c.3965C>T on transcript NM_203447.4 (MANE Select); coding-DNA position 3965, C replaced by T.
Protein change: p.Thr1322Met; replaces threonine 1322 with methionine.
Molecular consequence: missense variant.
Genome position (GRCh38, 1-based): chr9:420,525, C>T. VCF-style: chr9-420525-C-T. GRCh37 (hg19) VCF-style: chr9-420525-C-T.
Other names: c.3665C>T, p.Thr1222Met (NM_001190458.2); c.3761C>T, p.Thr1254Met (NM_001193536.2); short protein forms T1322M, T1254M, T1222M.
Identifiers: ClinVar variation 1414489 (VCV001414489.5), dbSNP rs774043738, ClinGen allele CA4958880.